The following is an entry in ClinVar:

NM_012330.4(KAT6B):c.6169del (p.Tyr2056_Met2057insTer)

Gene: KAT6B (lysine acetyltransferase 6B; plus strand). Cytogenetic location: 10q22.2.
Variant type: Deletion.
Coding change: c.6169del on transcript NM_012330.4 (MANE Select); coding-DNA position 6169, one base deleted (A; older notation c.6169delA).
Protein change: p.Tyr2056_Met2057insTer.
Molecular consequence: nonsense.
Genome position (GRCh38, 1-based): chr10:75,030,993, A deleted. VCF-style (leftmost placement, unchanged base first): chr10-75030992-CA-C. GRCh37 (hg19) VCF-style: chr10-76790750-CA-C.
Other names: c.5104del, p.Tyr1701_Met1702insTer (NM_001370143.1, NM_001370144.1); c.5293del, p.Tyr1764_Met1765insTer (NM_001370140.1, NM_001370141.1, NM_001370142.1 and 2 more transcripts); c.5620del, p.Tyr1873_Met1874insTer (NM_001256468.2, NM_001370138.1); c.5131del, p.Tyr1710_Met1711insTer (NM_001370132.1); c.4480del, p.Tyr1493_Met1494insTer (NM_001370133.1); c.4084del, p.Tyr1361_Met1362insTer (NM_001370134.1); c.3826del, p.Tyr1275_Met1276insTer (NM_001370135.1); c.6169del, p.Tyr2056_Met2057insTer (NM_001370136.1, NM_001370137.1).
Identifiers: ClinVar variation 4529851 (VCV004529851.1).

ClinVar aggregate classification (germline): Uncertain significance (1 of 4 stars; one submission).

Submission:

GeneDx
Classification: Uncertain significance. Last evaluated: 2025-05-11. Review status: criteria provided, single submitter. Criteria: GeneDx Variant Classification Process June 2021. Collection method: clinical testing. Allele origin: germline. Affected: yes.
Comment: Not observed at significant frequency in large population cohorts (gnomAD); Nonsense variant predicted to result in protein truncation as the last 17 amino acids are lost, although loss-of-function variants have not been reported downstream of this position in the protein; Has not been previously published as pathogenic or benign to our knowledge